The following is an entry in ClinVar:

NM_001127178.3(PIGG):c.2237G>A (p.Arg746Gln)

Gene: PIGG (phosphatidylinositol glycan anchor biosynthesis class G (EMM blood group); plus strand). Cytogenetic location: 4p16.3.
Variant type: single nucleotide variant.
Coding change: c.2237G>A on transcript NM_001127178.3 (MANE Select); coding-DNA position 2237, G replaced by A.
Protein change: p.Arg746Gln; replaces arginine 746 with glutamine.
Molecular consequence: missense variant. On other transcripts: non-coding transcript variant (10).
Genome position (GRCh38, 1-based): chr4:527,206, G>A. VCF-style: chr4-527206-G-A. GRCh37 (hg19) VCF-style: chr4-520995-G-A.
Other names: c.1970G>A, p.Arg657Gln (NM_001289051.2, NM_001345986.2); c.1838G>A, p.Arg613Gln (NM_001289052.2); c.1946G>A, p.Arg649Gln (NM_001345987.2); c.1208G>A, p.Arg403Gln (NM_001345988.2); c.704G>A, p.Arg235Gln (NM_001345990.2, NM_001345991.2); c.1139G>A, p.Arg380Gln (NM_001345994.2); c.2213G>A, p.Arg738Gln (NM_017733.5); short protein forms R235Q, R649Q, R738Q, R613Q, R657Q, R746Q, R380Q, R403Q.
Identifiers: ClinVar variation 968632 (VCV000968632.32), dbSNP rs962499498, ClinGen allele CA91069963.

ClinVar aggregate classification (germline): Conflicting classifications of pathogenicity. Review status: criteria provided, conflicting classifications (1 of 4 stars). 2 submissions from 2 submitters: Uncertain significance (1); Likely benign (1). Last evaluated 2022-11-01.

Conditions:
Intellectual disability, autosomal recessive 53 (NEDHSCA). Also called: GLYCOSYLPHOSPHATIDYLINOSITOL BIOSYNTHESIS DEFECT 13; Mental retardation, autosomal recessive 53; NEURODEVELOPMENTAL DISORDER WITH OR WITHOUT HYPOTONIA, SEIZURES, AND CEREBELLAR ATROPHY. Identifiers: Orphanet 488635, MedGen C4310794, MONDO:0014832, OMIM 616917.

Allele frequency attached by ClinVar (database versions not stated): gnomAD exomes 0.00001; TOPMed 0.00003; gnomAD 0.00004.
gnomAD v4.1: 21 of 1,601,262 alleles (0.0013%); highest among the groups gnomAD compares: African/African-American, 0.0067%; no homozygotes.

Submissions (2):

CeGaT Center for Human Genetics Tuebingen
Classification: Likely benign. Last evaluated: 2022-11-01. Review status: criteria provided, single submitter. Criteria: CeGaT Center For Human Genetics Tuebingen Variant Classification Criteria Version 2. Collection method: clinical testing. Allele origin: germline. Affected: yes. Observed: 1 variant allele.
Comment: PIGG: BP4

Labcorp Genetics (formerly Invitae), Labcorp
Classification: Uncertain significance for Intellectual disability, autosomal recessive 53. Last evaluated: 2022-10-17. Review status: criteria provided, single submitter. Criteria: Invitae Variant Classification Sherloc (09022015). Collection method: clinical testing. Allele origin: germline.
Comment: Advanced modeling of protein sequence and biophysical properties (such as structural, functional, and spatial information, amino acid conservation, physicochemical variation, residue mobility, and thermodynamic stability) performed at Invitae indicates that this missense variant is not expected to disrupt PIGG protein function. In summary, the available evidence is currently insufficient to determine the role of this variant in disease. Therefore, it has been classified as a Variant of Uncertain Significance. ClinVar contains an entry for this variant (Variation ID: 968632). This variant has not been reported in the literature in individuals affected with PIGG-related conditions. The frequency data for this variant in the population databases is considered unreliable, as metrics indicate poor data quality at this position in the gnomAD database. This sequence change replaces arginine, which is basic and polar, with glutamine, which is neutral and polar, at codon 746 of the PIGG protein (p.Arg746Gln).